The following is an entry in ClinVar:

NM_001430.5(EPAS1):c.1514T>C (p.Phe505Ser)

Gene: EPAS1 (endothelial PAS domain protein 1; plus strand). Cytogenetic location: 2p21.
Variant type: single nucleotide variant.
Coding change: c.1514T>C on transcript NM_001430.5 (MANE Select); coding-DNA position 1514, T replaced by C.
Protein change: p.Phe505Ser; replaces phenylalanine 505 with serine.
Molecular consequence: missense variant.
Genome position (GRCh38, 1-based): chr2:46,378,727, T>C. VCF-style: chr2-46378727-T-C. GRCh37 (hg19) VCF-style: chr2-46605866-T-C.
Other names: short protein forms F505S.
Identifiers: ClinVar variation 1774283 (VCV001774283.2), dbSNP rs2546474625, ClinGen allele CA346704272.

ClinVar aggregate classification (germline): Uncertain significance (1 of 4 stars; one submission).

Conditions:
Inborn genetic diseases. Identifiers: MedGen C0950123, MeSH D030342.

Submission:

Ambry Genetics
Classification: Uncertain significance for Inborn genetic diseases. Last evaluated: 2022-08-30. Review status: criteria provided, single submitter. Criteria: Ambry Variant Classification Scheme 2023. Collection method: clinical testing. Allele origin: germline.
Comment: The p.F505S variant (also known as c.1514T>C), located in coding exon 11 of the EPAS1 gene, results from a T to C substitution at nucleotide position 1514. The phenylalanine at codon 505 is replaced by serine, an amino acid with highly dissimilar properties. This amino acid position is conserved. In addition, this alteration is predicted to be deleterious by in silico analysis. Since supporting evidence is limited at this time, the clinical significance of this alteration remains unclear.